The following is an entry in ClinVar:

NM_006343.3(MERTK):c.370C>T (p.Gln124Ter)

Gene: MERTK (MER proto-oncogene, tyrosine kinase; plus strand). Cytogenetic location: 2q13.
Variant type: single nucleotide variant.
Coding change: c.370C>T on transcript NM_006343.3 (MANE Select); coding-DNA position 370, C replaced by T.
Protein change: p.Gln124Ter; replaces glutamine 124 with a stop codon.
Molecular consequence: nonsense.
Genome position (GRCh38, 1-based): chr2:111,929,428, C>T. VCF-style: chr2-111929428-C-T. GRCh37 (hg19) VCF-style: chr2-112687005-C-T.
Other names: short protein forms Q124*.
Identifiers: ClinVar variation 143140 (VCV000143140.2), dbSNP rs527236134, ClinGen allele CA270101.

ClinVar aggregate classification (germline): Likely pathogenic (0 of 4 stars; one submission).

Conditions:
Retinitis pigmentosa 38 (RP38). Also called: ROD-CONE DYSTROPHY, CHILDHOOD-ONSET. Identifiers: Orphanet 791, MedGen C3151228, MONDO:0013469, OMIM 613862.

Submission:

Department of Ophthalmology and Visual Sciences Kyoto University
Classification: Likely pathogenic for Retinitis pigmentosa 38. Review status: no assertion criteria provided. Collection method: not provided. Allele origin: unknown.
ClinVar note: Converted during submission from probable-pathogenic to Likely pathogenic.